The following is an entry in ClinVar:

ClinVar aggregate classification (germline): Likely benign. Review status: criteria provided, single submitter (1 of 4 stars). 2 submissions from 2 submitters: Likely benign (1). 1 of the submissions does not count toward it. Last evaluated 2025-08-06.

Conditions:
BBS2-related disorder. Also called: BBS2-related disorders; BBS2-related condition. Identifiers: MedGen CN239228.
Bardet-Biedl syndrome (BBS). Identifiers: Orphanet 110, MedGen C0752166, MONDO:0015229.

Allele frequency attached by ClinVar (database versions not stated): gnomAD 0.00001; gnomAD exomes 0.00001 and 0.00006; ExAC 0.00002; TOPMed 0.00003.
gnomAD v4.1: 21 of 1,614,014 alleles (0.0013%); highest among the groups gnomAD compares: Admixed American, 0.027%; no homozygotes.

Submissions (2):

Labcorp Genetics (formerly Invitae), Labcorp
Classification: Likely benign for Bardet-Biedl syndrome. Last evaluated: 2025-08-06. Review status: criteria provided, single submitter. Criteria: Invitae Variant Classification Sherloc (09022015). Collection method: clinical testing. Allele origin: germline.

PreventionGenetics, part of Exact Sciences
Classification: Likely benign for BBS2-related condition. Last evaluated: 2021-09-10. Review status: no assertion criteria provided. Collection method: clinical testing. Allele origin: germline. Not counted in ClinVar's aggregate classification.
Comment: This variant is classified as likely benign based on ACMG/AMP sequence variant interpretation guidelines (Richards et al. 2015 PMID: 25741868, with internal and published modifications).

NM_031885.5(BBS2):c.1608A>G (p.Thr536=)

Gene: BBS2 (Bardet-Biedl syndrome 2; minus strand). Cytogenetic location: 16q13.
Variant type: single nucleotide variant.
Coding change: c.1608A>G on transcript NM_031885.5 (MANE Select); coding-DNA position 1608, A replaced by G.
Protein change: p.Thr536=; no amino-acid change (threonine 536 retained).
Molecular consequence: synonymous variant. On other transcripts: non-coding transcript variant (5).
Genome position (GRCh38, 1-based): chr16:56,498,488, T>C on the plus strand (A>G on the coding strand, the complement: BBS2 is on the minus strand). VCF-style: chr16-56498488-T-C. GRCh37 (hg19) VCF-style: chr16-56532400-T-C.
Other names: c.1608A>G, p.Thr536= (NM_001377456.1).
Identifiers: ClinVar variation 702240 (VCV000702240.12), dbSNP rs778892001, ClinGen allele CA8065665.